The following is an entry in ClinVar:

ClinVar aggregate classification (germline): Benign (1 of 4 stars; one submission).

Allele frequency attached by ClinVar (database versions not stated): 1000 Genomes Project 30x 0.01468; 1000 Genomes Project 0.01518; TOPMed 0.02288; gnomAD 0.02921 and 0.03005.
gnomAD v4.1: 4,447 of 152,240 alleles (2.9%); highest among the groups gnomAD compares: Non-Finnish European, 4%; 114 homozygotes.

Submission:

GeneDx
Classification: Benign. Last evaluated: 2018-06-14. Review status: criteria provided, single submitter. Criteria: GeneDx Variant Classification (06012015). Collection method: clinical testing. Allele origin: germline. Affected: yes.
Comment: This variant is considered likely benign or benign based on one or more of the following criteria: it is a conservative change, it occurs at a poorly conserved position in the protein, it is predicted to be benign by multiple in silico algorithms, and/or has population frequency not consistent with disease.

NM_001258392.3(CLPB):c.646+6968T>C

Gene: CLPB (ClpB family mitochondrial disaggregase; minus strand). Cytogenetic location: 11q13.4.
Variant type: single nucleotide variant.
Coding change: c.646+6968T>C on transcript NM_001258392.3 (MANE Select); 6968 bases into the intron after coding-DNA position 646, T replaced by C.
Molecular consequence: intron variant.
Genome position (GRCh38, 1-based): chr11:72,373,313, A>G on the plus strand (T>C on the coding strand, the complement: CLPB is on the minus strand). VCF-style: chr11-72373313-A-G. GRCh37 (hg19) VCF-style: chr11-72084357-A-G.
Other names: c.559+6968T>C (NM_001258393.3); c.647-299T>C (NM_030813.6); c.512-299T>C (NM_001258394.3).
Identifiers: ClinVar variation 672509 (VCV000672509.1), dbSNP rs117652953, ClinGen allele CA224476108.